The following is an entry in ClinVar:

NM_025074.7(FRAS1):c.8098+1G>A

Gene: FRAS1 (Fraser extracellular matrix complex subunit 1; plus strand). Cytogenetic location: 4q21.21.
Variant type: single nucleotide variant.
Coding change: c.8098+1G>A on transcript NM_025074.7 (MANE Select); the canonical splice donor site of the intron after coding-DNA position 8098, G replaced by A.
Molecular consequence: splice donor variant.
Genome position (GRCh38, 1-based): chr4:78,478,062, G>A. VCF-style: chr4-78478062-G-A. GRCh37 (hg19) VCF-style: chr4-79399216-G-A.
Identifiers: ClinVar variation 4686192 (VCV004686192.1).
Genomic context (GRCh38, chr4:78,478,062, plus strand): 5'-AGAAGATCTACTGGGTTAACGAGAGCGCTGGTTTTCTGTTTGCACCTATTGAAAGAAAAG[G>A]TCTGTTGGTTCCACAGGTGACAAAGAGCTATAATAATTGCTAACATTTATTGAGTTCCTA-3'

ClinVar aggregate classification (germline): Uncertain significance (1 of 4 stars; one submission).

gnomAD v4.1: 2 of 1,556,602 alleles (0.00013%); highest among the groups gnomAD compares: African/African-American, 0.0014%; no homozygotes.

Submission:

GeneDx
Classification: Uncertain significance. Last evaluated: 2025-07-17. Review status: criteria provided, single submitter. Criteria: GeneDx Variant Classification Process June 2021. Collection method: clinical testing. Allele origin: germline. Affected: yes.
Comment: Canonical splice site variant predicted to result in a null allele in a gene for which loss of function is a known mechanism of disease; Has not been previously published as pathogenic or benign to our knowledge